The following is an entry in ClinVar:

NM_001123385.2(BCOR):c.5032C>G (p.Arg1678Gly)

Gene: BCOR (BCL6 corepressor; minus strand). Cytogenetic location: Xp11.4.
Variant type: single nucleotide variant.
Coding change: c.5032C>G on transcript NM_001123385.2 (MANE Select); coding-DNA position 5032, C replaced by G.
Protein change: p.Arg1678Gly; replaces arginine 1678 with glycine.
Molecular consequence: missense variant.
Genome position (GRCh38, 1-based): chrX:40,052,345, G>C on the plus strand (C>G on the coding strand, the complement: BCOR is on the minus strand). VCF-style: chrX-40052345-G-C. GRCh37 (hg19) VCF-style: chrX-39911598-G-C.
Other names: c.4930C>G, p.Arg1644Gly (NM_001123383.2, NM_017745.6); c.4876C>G, p.Arg1626Gly (NM_001123384.2); short protein forms R1626G, R1644G, R1678G.
Identifiers: ClinVar variation 3368139 (VCV003368139.1).
Genomic context (GRCh38, chrX:40,052,345, plus strand): 5'-AAAATTCTGCCTCTGCAATGGTGACAATTTCCACGTTTGGAAAATTGCAGCGAAATATGC[G>C]GGAGGACATTTTCAATTTCTTAAGGACATCCGAAAGCAGTAGCCAGTTTCGTGGCCTACA-3'
Protein context (NP_001116857.1, residues 1668-1688): DVLKKLKMSS[Arg1678Gly]IFRCNFPNVE

ClinVar aggregate classification (germline): Uncertain significance (1 of 4 stars; one submission).

Submission:

GeneDx
Classification: Uncertain significance. Last evaluated: 2024-01-21. Review status: criteria provided, single submitter. Criteria: GeneDx Variant Classification Process June 2021. Collection method: clinical testing. Allele origin: germline. Affected: yes.
Comment: Not observed at significant frequency in large population cohorts (gnomAD); In silico analysis supports that this missense variant has a deleterious effect on protein structure/function; Has not been previously published as pathogenic or benign to our knowledge